The following is an entry in ClinVar:

ClinVar aggregate classification (germline): Uncertain significance (1 of 4 stars; one submission).

Conditions:
Retinitis pigmentosa 25 (RP25). Identifiers: Orphanet 791, MedGen C1864446, MONDO:0011272, OMIM 602772.

Submission:

Myriad Genetics, Inc.
Classification: Uncertain significance for Retinitis pigmentosa 25. Last evaluated: 2025-12-05. Review status: criteria provided, single submitter. Criteria: Myriad Autosomal Dominant, Autosomal Recessive and X-Linked Classification Criteria (2023). Collection method: clinical testing. Allele origin: unknown.
Comment: NM_001142800.1(EYS):c.4977_4982dup6(C1660_L1661dup) is an in-frame insertion classified as a variant of uncertain significance in the context of retinitis pigmentosa, EYS-related. C1660_L1661dup has not been observed in cases with relevant disease. Relevant functional assessments of this variant are not available in the literature. C1660_L1661dup has not been observed in referenced population frequency databases. In summary, there is insufficient evidence to classify NM_001142800.1(EYS):c.4977_4982dup6(C1660_L1661dup) as pathogenic or benign. Please note: this variant was assessed in the context of healthy population screening.

NM_001142800.2(EYS):c.4977_4982dup (p.Leu1661_Asp1662insCysLeu)

Gene: EYS (EGF-like photoreceptor maintenance factor; minus strand). Cytogenetic location: 6q12.
Variant type: Duplication.
Coding change: c.4977_4982dup on transcript NM_001142800.2 (MANE Select); coding-DNA positions 4977 to 4982, 6 bases duplicated (ATGTTT; older notation c.4977_4982dupATGTTT).
Protein change: p.Leu1661_Asp1662insCysLeu.
Molecular consequence: inframe insertion.
Genome position (GRCh38, 1-based): chr6:64,590,885-64,590,890, AAACAT duplicated on the plus strand (ATGTTT on the coding strand, the reverse complement: EYS is on the minus strand); duplicating any 6 consecutive bases within chr6:64,590,885-64,590,893 gives the same sequence; the c. name uses the placement nearest the transcript's 3' end. VCF-style (leftmost placement, unchanged base first): chr6-64590884-C-CAAACAT. GRCh37 (hg19) VCF-style: chr6-65300777-C-CAAACAT.
Other names: c.4977_4982dup, p.Leu1661_Asp1662insCysLeu (NM_001292009.2).
Identifiers: ClinVar variation 5004001 (VCV005004001.1).